The following is an entry in ClinVar:

NM_014797.3(ZBTB24):c.11C>T (p.Thr4Ile)

Gene: ZBTB24 (zinc finger and BTB domain containing 24; minus strand). Cytogenetic location: 6q21.
Variant type: single nucleotide variant.
Coding change: c.11C>T on transcript NM_014797.3 (MANE Select); coding-DNA position 11, C replaced by T.
Protein change: p.Thr4Ile; replaces threonine 4 with isoleucine.
Molecular consequence: missense variant.
Genome position (GRCh38, 1-based): chr6:109,482,016, G>A on the plus strand (C>T on the coding strand, the complement: ZBTB24 is on the minus strand). VCF-style: chr6-109482016-G-A. GRCh37 (hg19) VCF-style: chr6-109803219-G-A.
Other names: c.11C>T, p.Thr4Ile (NM_001164313.2); short protein forms T4I.
Identifiers: ClinVar variation 1064132 (VCV001064132.7), dbSNP rs2115367617, ClinGen allele CA365212901.

ClinVar aggregate classification (germline): Uncertain significance (1 of 4 stars; one submission).

Conditions:
Immunodeficiency-centromeric instability-facial anomalies syndrome 2 (ICF2). Identifiers: Orphanet 2268, MedGen C3279748, MONDO:0013553, OMIM 614069.

Submission:

Labcorp Genetics (formerly Invitae), Labcorp
Classification: Uncertain significance for Immunodeficiency-centromeric instability-facial anomalies syndrome 2. Last evaluated: 2018-06-23. Review status: criteria provided, single submitter. Criteria: Invitae Variant Classification Sherloc (09022015). Collection method: clinical testing. Allele origin: germline.
Comment: This sequence change replaces threonine with isoleucine at codon 4 of the ZBTB24 protein (p.Thr4Ile). The threonine residue is moderately conserved and there is a moderate physicochemical difference between threonine and isoleucine. In summary, the available evidence is currently insufficient to determine the role of this variant in disease. Therefore, it has been classified as a Variant of Uncertain Significance. Algorithms developed to predict the effect of missense changes on protein structure and function output the following: SIFT: "Tolerated"; PolyPhen-2: "Benign"; Align-GVGD: "Class C0". The isoleucine amino acid residue is found in multiple mammalian species, suggesting that this missense change does not adversely affect protein function. These predictions have not been confirmed by published functional studies and their clinical significance is uncertain. This variant has not been reported in the literature in individuals with ZBTB24-related disease. This variant is not present in population databases (ExAC no frequency).